The following is an entry in ClinVar:

NM_005591.4(MRE11):c.92T>C (p.Val31Ala)

Gene: MRE11 (MRE11 double strand break repair nuclease; minus strand). Cytogenetic location: 11q21.
Variant type: single nucleotide variant.
Coding change: c.92T>C on transcript NM_005591.4 (MANE Select); coding-DNA position 92, T replaced by C.
Protein change: p.Val31Ala; replaces valine 31 with alanine.
Molecular consequence: missense variant.
Genome position (GRCh38, 1-based): chr11:94,490,894, A>G on the plus strand (T>C on the coding strand, the complement: MRE11 is on the minus strand). VCF-style: chr11-94490894-A-G. GRCh37 (hg19) VCF-style: chr11-94224060-A-G.
Other names: c.92T>C, p.Val31Ala (NM_001330347.2, NM_005590.4); short protein forms V31A.
Identifiers: ClinVar variation 3912861 (VCV003912861.1).

ClinVar aggregate classification (germline): Uncertain significance (1 of 4 stars; one submission).

Conditions:
Hereditary cancer-predisposing syndrome. Also called: Hereditary Cancer Syndrome; Hereditary neoplastic syndrome; Neoplastic Syndromes, Hereditary; Tumor predisposition. Identifiers: Orphanet 140162, MedGen C0027672, MeSH D009386, MONDO:0015356.

Submission:

Ambry Genetics
Classification: Uncertain significance for Hereditary cancer-predisposing syndrome. Last evaluated: 2025-03-22. Review status: criteria provided, single submitter. Criteria: Ambry Variant Classification Scheme 2023. Collection method: clinical testing. Allele origin: germline.
Comment: The p.V31A variant (also known as c.92T>C), located in coding exon 2 of the MRE11A gene, results from a T to C substitution at nucleotide position 92. The valine at codon 31 is replaced by alanine, an amino acid with similar properties. This amino acid position is conserved. In addition, this alteration is predicted to be tolerated by in silico analysis. Based on the available evidence, the clinical significance of this variant remains unclear.